The following is an entry in ClinVar:

NM_001278716.2(FBXL4):c.1702+11A>T

Gene: FBXL4 (F-box and leucine rich repeat protein 4; minus strand). Cytogenetic location: 6q16.1.
Variant type: single nucleotide variant.
Coding change: c.1702+11A>T on transcript NM_001278716.2 (MANE Select); 11 bases into the intron after coding-DNA position 1702, A replaced by T.
Molecular consequence: intron variant.
Genome position (GRCh38, 1-based): chr6:98,875,404, T>A on the plus strand (A>T on the coding strand, the complement: FBXL4 is on the minus strand). VCF-style: chr6-98875404-T-A. GRCh37 (hg19) VCF-style: chr6-99323280-T-A.
Other names: c.1702+11A>T (NM_012160.5).
Identifiers: ClinVar variation 437792 (VCV000437792.4), dbSNP rs369407577, ClinGen allele CA3933400.

ClinVar aggregate classification (germline): Conflicting classifications of pathogenicity. Review status: criteria provided, conflicting classifications (1 of 4 stars). 2 submissions from 2 submitters: Uncertain significance (1); Likely benign (1). Last evaluated 2023-12-10.

Conditions:
Mitochondrial DNA depletion syndrome 13. Also called: FBXL4-Related Encephalomyopathic Mitochondrial DNA Depletion Syndrome; Mitochondrial DNA depletion syndrome 13 (encephalomyopathic type). Identifiers: Orphanet 369897, MedGen C3809592, MONDO:0014198, OMIM 615471.

Allele frequency attached by ClinVar (database versions not stated): gnomAD exomes below 0.00001; ExAC 0.00001; ESP Exome Variant Server 0.00008.

Submissions (2):

Labcorp Genetics (formerly Invitae), Labcorp
Classification: Likely benign. Last evaluated: 2023-12-10. Review status: criteria provided, single submitter. Criteria: Invitae Variant Classification Sherloc (09022015). Collection method: clinical testing. Allele origin: germline.

Wong Mito Lab, Molecular and Human Genetics, Baylor College of Medicine
Classification: Uncertain significance for Mitochondrial DNA depletion syndrome 13. Last evaluated: 2017-08-10. Review status: criteria provided, single submitter. Criteria: ACMG Guidelines, 2015. Collection method: reference population. Allele origin: germline.
Comment: The NM_012160.4:c.1702+11A>T (NP_036292.2:p.=) [GRCH38: NC_000006.12:g.98875404T>A] variant in FBXL4 gene is interpretated to be a Uncertain Significance - Insufficient Evidence based on ACMG guidelines (PMID: 25741868). This variant meets one or more of the following evidence codes reported in the ACMG-guideline. PM2:This variant is absent in key population databases. Based on this evidence code ClinGen Pathogenicity Calculator (PMID:28081714) suggested that the variant is Uncertain Significance - Insufficient Evidence.